The following is an entry in ClinVar:

ClinVar aggregate classification (germline): Uncertain significance (1 of 4 stars; one submission).

Submission:

Labcorp Genetics (formerly Invitae), Labcorp
Classification: Uncertain significance. Last evaluated: 2022-06-17. Review status: criteria provided, single submitter. Criteria: Invitae Variant Classification Sherloc (09022015). Collection method: clinical testing. Allele origin: germline.
Comment: In summary, the available evidence is currently insufficient to determine the role of this variant in disease. Therefore, it has been classified as a Variant of Uncertain Significance. Algorithms developed to predict the effect of missense changes on protein structure and function are either unavailable or do not agree on the potential impact of this missense change (SIFT: "Not Available"; PolyPhen-2: "Benign"; Align-GVGD: "Not Available"). This variant has not been reported in the literature in individuals affected with FN1-related conditions. This variant is not present in population databases (gnomAD no frequency). This sequence change replaces serine, which is neutral and polar, with glycine, which is neutral and non-polar, at codon 1431 of the FN1 protein (p.Ser1431Gly).

NM_212482.4(FN1):c.4291A>G (p.Ser1431Gly)

Gene: FN1 (fibronectin 1; minus strand). Cytogenetic location: 2q35.
Variant type: single nucleotide variant.
Coding change: c.4291A>G on transcript NM_212482.4 (MANE Select); coding-DNA position 4291, A replaced by G.
Protein change: p.Ser1431Gly; replaces serine 1431 with glycine.
Molecular consequence: missense variant.
Genome position (GRCh38, 1-based): chr2:215,388,263, T>C on the plus strand (A>G on the coding strand, the complement: FN1 is on the minus strand). VCF-style: chr2-215388263-T-C. GRCh37 (hg19) VCF-style: chr2-216252986-T-C.
Other names: c.4291A>G, p.Ser1431Gly (NM_001306129.2, NM_001306130.2, NM_001365517.2 and 3 more transcripts); c.4018A>G, p.Ser1340Gly (NM_001306131.2, NM_001306132.2, NM_001365518.2 and 7 more transcripts); short protein forms S1431G, S1340G.
Identifiers: ClinVar variation 1957736 (VCV001957736.5), dbSNP rs2469685935, ClinGen allele CA350482519.
Genomic context (GRCh38, chr2:215,388,263, plus strand): 5'-ACCACTCACCTGTTTTCTGTCTTCCTCTAAGAGGTGTGCTCTCATGTTGTTCGTAGACAC[T>C]GGAGACACTCACTACATATTCTGTACCAGGCAGGAGATCTGTAGGGGCAAATGGGGCTTA-3'
Protein context (NP_997647.2, residues 1421-1441): PGTEYVVSVS[Ser1431Gly]VYEQHESTPL